The following is an entry in ClinVar:

ClinVar aggregate classification (germline): Uncertain significance. Review status: criteria provided, multiple submitters, no conflicts (2 of 4 stars). 2 submissions from 2 submitters: Uncertain significance (2). Last evaluated 2022-03-22.

Conditions:
Developmental and epileptic encephalopathy, 13 (DEE13). Also called: Early infantile epileptic encephalopathy 13; SCN8A-Related Epilepsy; Developmental and Epileptic Encephalopathy (SCN8A-DEE). Identifiers: Orphanet 442835, MedGen C3281191, MONDO:0013801, OMIM 614558.
Early-infantile DEE. Also called: Ohtahara syndrome; Early infantile epileptic encephalopathy; Early infantile epileptic encephalopathy with suppression bursts. Identifiers: Orphanet 1934, MedGen C0393706, MONDO:0800491.

Submissions (2):

Labcorp Genetics (formerly Invitae), Labcorp
Classification: Uncertain significance for Early-infantile DEE. Last evaluated: 2022-03-22. Review status: criteria provided, single submitter. Criteria: Invitae Variant Classification Sherloc (09022015). Collection method: clinical testing. Allele origin: germline.
Comment: In summary, the available evidence is currently insufficient to determine the role of this variant in disease. Therefore, it has been classified as a Variant of Uncertain Significance. Algorithms developed to predict the effect of missense changes on protein structure and function (SIFT, PolyPhen-2, Align-GVGD) all suggest that this variant is likely to be tolerated. ClinVar contains an entry for this variant (Variation ID: 976359). This variant has not been reported in the literature in individuals affected with SCN8A-related conditions. This variant is not present in population databases (gnomAD no frequency). This sequence change replaces histidine, which is basic and polar, with glutamine, which is neutral and polar, at codon 1931 of the SCN8A protein (p.His1931Gln).

Institute of Human Genetics, University of Leipzig Medical Center
Classification: Uncertain significance for Developmental and epileptic encephalopathy, 13. Last evaluated: 2018-06-26. Review status: criteria provided, single submitter. Criteria: ACMG Guidelines, 2015. Collection method: clinical testing. Allele origin: germline. Affected: yes. Observed: 1 variant allele.

NM_001330260.2(SCN8A):c.5793C>G (p.His1931Gln)

Gene: SCN8A (sodium voltage-gated channel alpha subunit 8; plus strand). Cytogenetic location: 12q13.13.
Variant type: single nucleotide variant.
Coding change: c.5793C>G on transcript NM_001330260.2 (MANE Select); coding-DNA position 5793, C replaced by G.
Protein change: p.His1931Gln; replaces histidine 1931 with glutamine.
Molecular consequence: missense variant.
Genome position (GRCh38, 1-based): chr12:51,807,279, C>G. VCF-style: chr12-51807279-C-G. GRCh37 (hg19) VCF-style: chr12-52201063-C-G.
Other names: c.5670C>G, p.His1890Gln (NM_001177984.3, NM_001369788.1); c.5793C>G, p.His1931Gln (NM_014191.4); short protein forms H1890Q, H1931Q.
Identifiers: ClinVar variation 976359 (VCV000976359.10), dbSNP rs1938732126, ClinGen allele CA384889477.